The following is an entry in ClinVar:

NM_000020.3(ACVRL1):c.86del (p.Gly29fs)

Gene: ACVRL1 (activin A receptor like type 1; plus strand). Cytogenetic location: 12q13.13.
Variant type: Deletion.
Coding change: c.86del on transcript NM_000020.3 (MANE Select); coding-DNA position 86, one base deleted (G; older notation c.86delG).
Protein change: p.Gly29fs; shifts the reading frame from glycine 29.
Molecular consequence: frameshift variant.
Genome position (GRCh38, 1-based): chr12:51,913,123, G deleted; the last of 4 consecutive G bases (chr12:51,913,120-51,913,123); deleting any one gives the same sequence. VCF-style (leftmost placement, unchanged base first): chr12-51913119-CG-C. GRCh37 (hg19) VCF-style: chr12-52306903-CG-C.
Other names: c.86del, p.Gly29fs (NM_001077401.2); c.86delG (NM_000020.2); short protein forms G29fs.
Identifiers: ClinVar variation 847246 (VCV000847246.14), dbSNP rs1940729491, ClinGen allele CA916081665.
Genomic context (GRCh38, chr12:51,913,119, plus strand): 5'-GCTGGGACCACAGTGGCTGAGCTTCCGGTGTGTCTTCCAGGAGACCCTGTGAAGCCGTCT[CG>C]GGGCCCGCTGGTGACCTGCACGTGTGAGAGCCCACATTGCAAGGGGCCTACCTGCCGGGG-3'

ClinVar aggregate classification (germline): Pathogenic. Review status: criteria provided, multiple submitters, no conflicts (2 of 4 stars). 2 submissions from 2 submitters: Pathogenic (2). Last evaluated 2021-03-17.

Conditions:
Telangiectasia, hereditary hemorrhagic, type 2 (HHT2). Also called: Telangiectasia, hereditary hemorrhagic, type II; ACVRL1-Related Hereditary Hemorrhagic Telangiectasia. Identifiers: Orphanet 774, MedGen C1838163, MONDO:0010880, OMIM 600376. Disease mechanism: loss of function.

Submissions (2):

Mayo Clinic Laboratories, Mayo Clinic
Classification: Pathogenic. Last evaluated: 2021-03-17. Review status: criteria provided, single submitter. Criteria: ACMG Guidelines, 2015. Collection method: clinical testing. Allele origin: germline. Observed: 2 variant alleles.
Comment: PVS1 PM2, PP1_Strong

Labcorp Genetics (formerly Invitae), Labcorp
Classification: Pathogenic for Telangiectasia, hereditary hemorrhagic, type 2. Last evaluated: 2019-05-15. Review status: criteria provided, single submitter. Criteria: Invitae Variant Classification Sherloc (09022015). Collection method: clinical testing. Allele origin: germline.
Comment: For these reasons, this variant has been classified as Pathogenic. Loss-of-function variants in ACVRL1 are known to be pathogenic (PMID: 15879500). This variant has been observed to segregate with hereditary hemorrhagic telangiectasia in a family (PMID: 12700602, 12843319). This variant is also described as delG86 in the literature. This variant is not present in population databases (ExAC no frequency). This sequence change creates a premature translational stop signal (p.Gly29Alafs*4) in the ACVRL1 gene. It is expected to result in an absent or disrupted protein product.

Literature cited by the submitters: PubMed 15266205 (cited by Mayo Clinic Laboratories, Mayo Clinic); PubMed 15517393 (cited by Mayo Clinic Laboratories, Mayo Clinic); PubMed 12843319 (cited by Mayo Clinic Laboratories, Mayo Clinic and Labcorp Genetics (formerly Invitae), Labcorp); PubMed 12700602 (cited by Mayo Clinic Laboratories, Mayo Clinic and Labcorp Genetics (formerly Invitae), Labcorp); PubMed 15879500 (cited by Labcorp Genetics (formerly Invitae), Labcorp).